The following is an entry in ClinVar:

ClinVar aggregate classification (germline): Likely benign. Review status: criteria provided, multiple submitters, no conflicts (2 of 4 stars). 2 submissions from 2 submitters: Likely benign (2). Last evaluated 2026-04-27.

Conditions:
Spastic paraplegia. Identifiers: MedGen C0037772, HP:0001258.
SACS-related disorder. Also called: SACS-related condition.

Allele frequency attached by ClinVar (database versions not stated): ExAC 0.00001; TOPMed 0.00001; gnomAD 0.00002; gnomAD exomes 0.00002; ESP Exome Variant Server 0.00008.
gnomAD v4.1: 30 of 1,613,976 alleles (0.0019%); highest among the groups gnomAD compares: African/African-American, 0.0053%; no homozygotes.

Submissions (2):

PreventionGenetics, part of Exact Sciences
Classification: Likely benign for SACS-related condition. Last evaluated: 2026-04-27. Review status: criteria provided, single submitter. Criteria: ACMG Guidelines, 2015. Collection method: clinical testing. Allele origin: germline.
Comment: This variant is classified as likely benign based on ACMG/AMP sequence variant interpretation guidelines (Richards et al. 2015 PMID: 25741868, with internal and published modifications).

Labcorp Genetics (formerly Invitae), Labcorp
Classification: Likely benign for Spastic paraplegia. Last evaluated: 2024-05-05. Review status: criteria provided, single submitter. Criteria: Invitae Variant Classification Sherloc (09022015). Collection method: clinical testing. Allele origin: germline.

NM_014363.6(SACS):c.5526A>G (p.Gly1842=)

Gene: SACS (sacsin molecular chaperone; minus strand). Cytogenetic location: 13q12.12.
Variant type: single nucleotide variant.
Coding change: c.5526A>G on transcript NM_014363.6 (MANE Select); coding-DNA position 5526, A replaced by G.
Protein change: p.Gly1842=; no amino-acid change (glycine 1842 retained).
Molecular consequence: synonymous variant.
Genome position (GRCh38, 1-based): chr13:23,338,350, T>C on the plus strand (A>G on the coding strand, the complement: SACS is on the minus strand). VCF-style: chr13-23338350-T-C. GRCh37 (hg19) VCF-style: chr13-23912489-T-C.
Other names: c.5085A>G, p.Gly1695= (NM_001278055.2); c.5526A>G (NM_014363.5).
Identifiers: ClinVar variation 1116169 (VCV001116169.10), dbSNP rs141827449, ClinGen allele CA6911234.